The following is an entry in ClinVar:

ClinVar aggregate classification (germline): Conflicting classifications of pathogenicity. Review status: criteria provided, conflicting classifications (1 of 4 stars). 4 submissions from 4 submitters: Uncertain significance (2); Likely benign (1). 1 of the submissions does not count toward it. Last evaluated 2026-01-02.

Conditions:
Cardiovascular phenotype. Identifiers: MedGen CN230736.
Cardiac arrhythmia. Also called: Arrhythmia; Cardiac rhythm disease. Identifiers: MedGen C0003811, MONDO:0007263, HP:0011675.
Brugada syndrome 8 (BRGDA8). Identifiers: Orphanet 130, MedGen C2751083, MONDO:0013148, OMIM 613123.

Allele frequency attached by ClinVar (database versions not stated): gnomAD 0.00003 and 0.00004; TOPMed 0.00003; gnomAD exomes 0.00005; ExAC 0.00008; ESP Exome Variant Server 0.00031.
gnomAD v4.1: 74 of 1,606,004 alleles (0.0046%); highest among the groups gnomAD compares: Non-Finnish European, 0.0058%; no homozygotes.

Submissions (4):

Labcorp Genetics (formerly Invitae), Labcorp
Classification: Likely benign for Brugada syndrome 8. Last evaluated: 2026-01-02. Review status: criteria provided, single submitter. Criteria: Invitae Variant Classification Sherloc (09022015). Collection method: clinical testing. Allele origin: germline.

Ambry Genetics
Classification: Uncertain significance for Cardiovascular phenotype. Last evaluated: 2025-08-28. Review status: criteria provided, single submitter. Criteria: Ambry Variant Classification Scheme 2023. Collection method: clinical testing. Allele origin: germline.
Comment: The p.A756T variant (also known as c.2266G>A), located in coding exon 8 of the HCN4 gene, results from a G to A substitution at nucleotide position 2266. The alanine at codon 756 is replaced by threonine, an amino acid with similar properties. This variant was reported in an individual with arrhythmogenic right ventricular cardiomyopathy (ARVC); however, clinical details were limited (Kolokotronis K et al. J Clin Med, 2020 Jul;9:[Epub ahead of print]). This amino acid position is well conserved in available vertebrate species. In addition, this alteration is predicted to be tolerated by in silico analysis. Since supporting evidence is limited at this time, the clinical significance of this alteration remains unclear.

GeneDx
Classification: Uncertain significance. Last evaluated: 2023-08-22. Review status: criteria provided, single submitter. Criteria: GeneDx Variant Classification Process June 2021. Collection method: clinical testing. Allele origin: germline. Affected: yes.
Comment: In silico analysis supports that this missense variant does not alter protein structure/function; This variant is associated with the following publications: (PMID: 32659924)

Institute of Human Genetics, University of Wuerzburg
Classification: Uncertain significance for Cardiac arrhythmia. Review status: no assertion criteria provided. Collection method: clinical testing. Allele origin: unknown. Not counted in ClinVar's aggregate classification.

Literature cited by the submitters: PubMed 32659924 (cited by Ambry Genetics).

NM_005477.3(HCN4):c.2266G>A (p.Ala756Thr)

Gene: HCN4 (hyperpolarization activated cyclic nucleotide gated potassium channel 4; minus strand). Cytogenetic location: 15q24.1.
Variant type: single nucleotide variant.
Coding change: c.2266G>A on transcript NM_005477.3 (MANE Select); coding-DNA position 2266, G replaced by A.
Protein change: p.Ala756Thr; replaces alanine 756 with threonine.
Molecular consequence: missense variant.
Genome position (GRCh38, 1-based): chr15:73,323,827, C>T on the plus strand (G>A on the coding strand, the complement: HCN4 is on the minus strand). VCF-style: chr15-73323827-C-T. GRCh37 (hg19) VCF-style: chr15-73616168-C-T.
Other names: short protein forms A756T.
Identifiers: ClinVar variation 689530 (VCV000689530.15), dbSNP rs143339036, ClinGen allele CA7649065.